The following is an entry in ClinVar:

ClinVar aggregate classification (germline): Uncertain significance (1 of 4 stars; one submission).

Conditions:
Primary ciliary dyskinesia. Also called: Ciliary dyskinesia. Identifiers: Orphanet 244, MedGen C0008780, MONDO:0016575, HP:0012265.

Allele frequency attached by ClinVar (database versions not stated): TOPMed 0.00002; ExAC 0.00002.
gnomAD v4.1: 9 of 1,605,584 alleles (0.00056%); highest among the groups gnomAD compares: Admixed American, 0.014%; no homozygotes.

Submission:

Labcorp Genetics (formerly Invitae), Labcorp
Classification: Uncertain significance for Primary ciliary dyskinesia. Last evaluated: 2021-12-19. Review status: criteria provided, single submitter. Criteria: Invitae Variant Classification Sherloc (09022015). Collection method: clinical testing. Allele origin: germline.
Comment: This sequence change replaces threonine, which is neutral and polar, with isoleucine, which is neutral and non-polar, at codon 4440 of the DNAH11 protein (p.Thr4440Ile). This variant is present in population databases (rs760133325, gnomAD 0.02%). This variant has not been reported in the literature in individuals affected with DNAH11-related conditions. Advanced modeling of protein sequence and biophysical properties (such as structural, functional, and spatial information, amino acid conservation, physicochemical variation, residue mobility, and thermodynamic stability) performed at Invitae indicates that this missense variant is not expected to disrupt DNAH11 protein function. In summary, the available evidence is currently insufficient to determine the role of this variant in disease. Therefore, it has been classified as a Variant of Uncertain Significance.

NM_001277115.2(DNAH11):c.13319C>T (p.Thr4440Ile)

Genes: CDCA7L (cell division cycle associated 7 like; minus strand), DNAH11 (dynein axonemal heavy chain 11; plus strand). Cytogenetic location: 7p15.3.
Variant type: single nucleotide variant.
Coding change: c.13319C>T on transcript NM_001277115.2 (MANE Select); coding-DNA position 13319, C replaced by T.
Protein change: p.Thr4440Ile; replaces threonine 4440 with isoleucine.
Molecular consequence: missense variant. On other transcripts: 3 prime UTR variant (3).
Genome position (GRCh38, 1-based): chr7:21,901,022, C>T. VCF-style: chr7-21901022-C-T. GRCh37 (hg19) VCF-style: chr7-21940640-C-T.
Other names: c.*1300G>A (NM_001127370.3, NM_001127371.3, NM_018719.5); short protein forms T4440I.
Identifiers: ClinVar variation 2041084 (VCV002041084.1), dbSNP rs760133325, ClinGen allele CA4183454.
Genomic context (GRCh38, chr7:21,901,022, plus strand): 5'-GTAGCAAGCTGCCACACAATTGCAACCGCTGTGTTTTTGCCATAGGCGCCCGCTGGGACA[C>T]CCAAGCAGGAACCATTGTTGAAGCCCGTCTCAAGGAGCTGGCATGCCCTATGCCGGTCAT-3'
Protein context (NP_001264044.1, residues 4430-4450): GLFMEGARWD[Thr4440Ile]QAGTIVEARL